The following is an entry in ClinVar:

NM_000875.5(IGF1R):c.3716A>T (p.Asp1239Val)

Gene: IGF1R (insulin like growth factor 1 receptor; plus strand). Cytogenetic location: 15q26.3.
Variant type: single nucleotide variant.
Coding change: c.3716A>T on transcript NM_000875.5 (MANE Select); coding-DNA position 3716, A replaced by T.
Protein change: p.Asp1239Val; replaces aspartic acid 1239 with valine.
Molecular consequence: missense variant.
Genome position (GRCh38, 1-based): chr15:98,948,702, A>T. VCF-style: chr15-98948702-A-T. GRCh37 (hg19) VCF-style: chr15-99491931-A-T.
Other names: c.3713A>T, p.Asp1238Val (NM_001291858.2); short protein forms D1239V, D1238V.
Identifiers: ClinVar variation 3651939 (VCV003651939.2).

ClinVar aggregate classification (germline): Uncertain significance (1 of 4 stars; one submission).

gnomAD v4.1: 1 of 1,614,136 alleles (0.000062%); no homozygotes.

Submission:

Labcorp Genetics (formerly Invitae), Labcorp
Classification: Uncertain significance. Last evaluated: 2024-05-02. Review status: criteria provided, single submitter. Criteria: Invitae Variant Classification Sherloc (09022015). Collection method: clinical testing. Allele origin: germline.
Comment: This sequence change replaces aspartic acid, which is acidic and polar, with valine, which is neutral and non-polar, at codon 1239 of the IGF1R protein (p.Asp1239Val). This variant is not present in population databases (gnomAD no frequency). This variant has not been reported in the literature in individuals affected with IGF1R-related conditions. Advanced modeling of protein sequence and biophysical properties (such as structural, functional, and spatial information, amino acid conservation, physicochemical variation, residue mobility, and thermodynamic stability) performed at Invitae indicates that this missense variant is not expected to disrupt IGF1R protein function with a negative predictive value of 80%. In summary, the available evidence is currently insufficient to determine the role of this variant in disease. Therefore, it has been classified as a Variant of Uncertain Significance.